The following is an entry in ClinVar:

NM_000548.5(TSC2):c.1166C>A (p.Thr389Asn)

Gene: TSC2 (TSC complex subunit 2; plus strand). Cytogenetic location: 16p13.3.
Variant type: single nucleotide variant.
Coding change: c.1166C>A on transcript NM_000548.5 (MANE Select); coding-DNA position 1166, C replaced by A.
Protein change: p.Thr389Asn; replaces threonine 389 with asparagine.
Molecular consequence: missense variant.
Genome position (GRCh38, 1-based): chr16:2,061,917, C>A. VCF-style: chr16-2061917-C-A. GRCh37 (hg19) VCF-style: chr16-2111918-C-A.
Other names: c.1166C>A, p.Thr389Asn (NM_001077183.3, NM_001114382.3, NM_001363528.2 and 6 more transcripts); c.1055C>A, p.Thr352Asn (NM_001318827.2, NM_001406670.1, NM_001406678.1); c.1019C>A, p.Thr340Asn (NM_001318829.2, NM_001406679.1, NM_001406675.1 and 1 more transcripts); c.566C>A, p.Thr189Asn (NM_001318831.2, NM_001406680.1, NM_001406682.1 and 6 more transcripts); c.1199C>A, p.Thr400Asn (NM_001318832.2); c.704C>A, p.Thr235Asn (NM_001406681.1); c.-179C>A (NM_001406689.1, NM_001406690.1, NM_001406691.1 and 4 more transcripts); c.-147C>A (NM_001406694.1, NM_001406695.1); and 4 more; short protein forms T370N, T400N, T189N, T235N, T340N, T352N, T385N, T389N.
Identifiers: ClinVar variation 1738222 (VCV001738222.2), dbSNP rs2548537306, ClinGen allele CA394320263.

ClinVar aggregate classification (germline): Uncertain significance (1 of 4 stars; one submission).

Conditions:
Hereditary cancer-predisposing syndrome. Also called: Neoplastic Syndromes, Hereditary; Tumor predisposition; Hereditary Cancer Syndrome; Hereditary neoplastic syndrome. Identifiers: Orphanet 140162, MedGen C0027672, MeSH D009386, MONDO:0015356.

Submission:

Ambry Genetics
Classification: Uncertain significance for Hereditary cancer-predisposing syndrome. Last evaluated: 2020-11-06. Review status: criteria provided, single submitter. Criteria: Ambry Variant Classification Scheme 2023. Collection method: clinical testing. Allele origin: germline.
Comment: The p.T389N variant (also known as c.1166C>A), located in coding exon 11 of the TSC2 gene, results from a C to A substitution at nucleotide position 1166. The threonine at codon 389 is replaced by asparagine, an amino acid with similar properties. This amino acid position is well conserved in available vertebrate species. In addition, the in silico prediction for this alteration is inconclusive. Since supporting evidence is limited at this time, the clinical significance of this alteration remains unclear.